The following is an entry in ClinVar:

NM_001081.4(CUBN):c.1136T>A (p.Leu379His)

Gene: CUBN (cubilin; minus strand). Cytogenetic location: 10p13.
Variant type: single nucleotide variant.
Coding change: c.1136T>A on transcript NM_001081.4 (MANE Select); coding-DNA position 1136, T replaced by A.
Protein change: p.Leu379His; replaces leucine 379 with histidine.
Molecular consequence: missense variant.
Genome position (GRCh38, 1-based): chr10:17,105,551, A>T on the plus strand (T>A on the coding strand, the complement: CUBN is on the minus strand). VCF-style: chr10-17105551-A-T. GRCh37 (hg19) VCF-style: chr10-17147550-A-T.
Other names: p.Leu379His; short protein forms L379H.
Identifiers: ClinVar variation 4541530 (VCV004541530.1).

ClinVar aggregate classification (germline): Uncertain significance (1 of 4 stars; one submission).

gnomAD v4.1: 13 of 1,606,582 alleles (0.00081%); highest among the groups gnomAD compares: Non-Finnish European, 0.0011%; no homozygotes.

Submission:

Mayo Clinic Laboratories, Mayo Clinic
Classification: Uncertain significance. Last evaluated: 2025-09-10. Review status: criteria provided, single submitter. Criteria: ACMG Guidelines, 2015. Collection method: clinical testing. Allele origin: germline. Observed: 1 variant allele.
Comment: PM2_supporting